The following is an entry in ClinVar:

NM_000254.3(MTR):c.2708A>G (p.Asp903Gly)

Gene: MTR (5-methyltetrahydrofolate-homocysteine methyltransferase; plus strand). Cytogenetic location: 1q43.
Variant type: single nucleotide variant.
Coding change: c.2708A>G on transcript NM_000254.3 (MANE Select); coding-DNA position 2708, A replaced by G.
Protein change: p.Asp903Gly; replaces aspartic acid 903 with glycine.
Molecular consequence: missense variant.
Genome position (GRCh38, 1-based): chr1:236,885,152, A>G. VCF-style: chr1-236885152-A-G. GRCh37 (hg19) VCF-style: chr1-237048452-A-G.
Other names: c.1487A>G, p.Asp496Gly (NM_001291940.2); c.2555A>G, p.Asp852Gly (NM_001291939.1); short protein forms D496G, D852G, D903G.
Identifiers: ClinVar variation 1488208 (VCV001488208.5), dbSNP rs149165917, ClinGen allele CA1474492.

ClinVar aggregate classification (germline): Uncertain significance (1 of 4 stars; one submission).

Conditions:
Methylcobalamin deficiency type cblG (HMAG). Also called: HOMOCYSTINURIA-MEGALOBLASTIC ANEMIA, cblG TYPE; HOMOCYSTINURIA-MEGALOBLASTIC ANEMIA, cblG COMPLEMENTATION TYPE; Functional methionine synthase deficiency type cblG; HOMOCYSTINURIA-MEGALOBLASTIC ANEMIA DUE TO DEFECT IN COBALAMIN METABOLISM, cblG COMPLEMENTATION TYPE. Identifiers: Orphanet 2170, Orphanet 622, MedGen C1855128, MONDO:0009609, OMIM 250940.

Allele frequency attached by ClinVar (database versions not stated): gnomAD exomes below 0.00001 and 0.00001; TOPMed below 0.00001; ExAC 0.00001; ESP Exome Variant Server 0.00008.
gnomAD v4.1: 3 of 1,609,894 alleles (0.00019%); highest among the groups gnomAD compares: Non-Finnish European, 0.00026%; no homozygotes.

Submission:

Labcorp Genetics (formerly Invitae), Labcorp
Classification: Uncertain significance for Methylcobalamin deficiency type cblG. Last evaluated: 2022-10-05. Review status: criteria provided, single submitter. Criteria: Invitae Variant Classification Sherloc (09022015). Collection method: clinical testing. Allele origin: germline.
Comment: This sequence change replaces aspartic acid, which is acidic and polar, with glycine, which is neutral and non-polar, at codon 903 of the MTR protein (p.Asp903Gly). This variant is present in population databases (rs149165917, gnomAD 0.0009%). This variant has not been reported in the literature in individuals affected with MTR-related conditions. ClinVar contains an entry for this variant (Variation ID: 1488208). Advanced modeling of protein sequence and biophysical properties (such as structural, functional, and spatial information, amino acid conservation, physicochemical variation, residue mobility, and thermodynamic stability) performed at Invitae indicates that this missense variant is not expected to disrupt MTR protein function. Algorithms developed to predict the effect of sequence changes on RNA splicing suggest that this variant may create or strengthen a splice site. In summary, the available evidence is currently insufficient to determine the role of this variant in disease. Therefore, it has been classified as a Variant of Uncertain Significance.